The following is an entry in ClinVar:

ClinVar aggregate classification (germline): Uncertain significance (1 of 4 stars; one submission).

Allele frequency attached by ClinVar (database versions not stated): gnomAD 0.00001.

Submission:

Labcorp Genetics (formerly Invitae), Labcorp
Classification: Uncertain significance. Last evaluated: 2022-01-17. Review status: criteria provided, single submitter. Criteria: Invitae Variant Classification Sherloc (09022015). Collection method: clinical testing. Allele origin: germline.
Comment: In summary, the available evidence is currently insufficient to determine the role of this variant in disease. Therefore, it has been classified as a Variant of Uncertain Significance. Algorithms developed to predict the effect of sequence changes on RNA splicing suggest that this variant may create or strengthen a splice site. Algorithms developed to predict the effect of missense changes on protein structure and function are either unavailable or do not agree on the potential impact of this missense change (SIFT: "Deleterious"; PolyPhen-2: "Probably Damaging"; Align-GVGD: "Class C0"). This variant has not been reported in the literature in individuals affected with DLL3-related conditions. This variant is not present in population databases (gnomAD no frequency). This sequence change replaces glycine, which is neutral and non-polar, with serine, which is neutral and polar, at codon 382 of the DLL3 protein (p.Gly382Ser).

NM_203486.3(DLL3):c.1144G>A (p.Gly382Ser)

Gene: DLL3 (delta like canonical Notch ligand 3; plus strand). Cytogenetic location: 19q13.2.
Variant type: single nucleotide variant.
Coding change: c.1144G>A on transcript NM_203486.3 (MANE Select); coding-DNA position 1144, G replaced by A.
Protein change: p.Gly382Ser; replaces glycine 382 with serine.
Molecular consequence: missense variant.
Genome position (GRCh38, 1-based): chr19:39,507,089, G>A. VCF-style: chr19-39507089-G-A. GRCh37 (hg19) VCF-style: chr19-39997729-G-A.
Other names: c.1144G>A, p.Gly382Ser (NM_016941.4); short protein forms G382S.
Identifiers: ClinVar variation 2420195 (VCV002420195.6), dbSNP rs758562918, ClinGen allele CA9432382.